The following is an entry in ClinVar:

ClinVar aggregate classification (germline): Uncertain significance (1 of 4 stars; one submission).

Conditions:
Fibrous dysplasia of jaw (CRBM). Also called: Cherubism. Identifiers: Orphanet 184, MedGen C0008029, MONDO:0007315, OMIM 118400.

gnomAD v4.1: 3 of 1,613,202 alleles (0.00019%); highest among the groups gnomAD compares: Non-Finnish European, 0.00025%; no homozygotes.

Submission:

Labcorp Genetics (formerly Invitae), Labcorp
Classification: Uncertain significance for Fibrous dysplasia of jaw. Last evaluated: 2022-06-04. Review status: criteria provided, single submitter. Criteria: Invitae Variant Classification Sherloc (09022015). Collection method: clinical testing. Allele origin: germline.
Comment: In summary, the available evidence is currently insufficient to determine the role of this variant in disease. Therefore, it has been classified as a Variant of Uncertain Significance. This sequence change replaces isoleucine, which is neutral and non-polar, with valine, which is neutral and non-polar, at codon 362 of the SH3BP2 protein (p.Ile362Val). This variant is not present in population databases (gnomAD no frequency). This variant has not been reported in the literature in individuals affected with SH3BP2-related conditions. Algorithms developed to predict the effect of missense changes on protein structure and function output the following: SIFT: "Tolerated"; PolyPhen-2: "Benign"; Align-GVGD: "Class C0". The valine amino acid residue is found in multiple mammalian species, which suggests that this missense change does not adversely affect protein function. Algorithms developed to predict the effect of sequence changes on RNA splicing suggest that this variant may create or strengthen a splice site.

NM_001122681.2(SH3BP2):c.1084A>G (p.Ile362Val)

Gene: SH3BP2 (SH3 domain binding protein 2; plus strand). Cytogenetic location: 4p16.3.
Variant type: single nucleotide variant.
Coding change: c.1084A>G on transcript NM_001122681.2 (MANE Select); coding-DNA position 1084, A replaced by G.
Protein change: p.Ile362Val; replaces isoleucine 362 with valine.
Molecular consequence: missense variant.
Genome position (GRCh38, 1-based): chr4:2,829,990, A>G. VCF-style: chr4-2829990-A-G. GRCh37 (hg19) VCF-style: chr4-2831717-A-G.
Other names: c.1168A>G, p.Ile390Val (NM_001145855.2); c.1255A>G, p.Ile419Val (NM_001145856.2); c.1084A>G, p.Ile362Val (NM_003023.4); short protein forms I390V, I362V, I419V.
Identifiers: ClinVar variation 2057401 (VCV002057401.4), dbSNP rs1437832400, ClinGen allele CA356057052.
Genomic context (GRCh38, chr4:2,829,990, plus strand): 5'-CGAGGACCACCCACATCTGAGCCCCCACCTGTGCCAGCCAACAAGCCCAAGTTCCTGAAG[A>G]TAGCTGAAGAGGACCCCCCAAGGGAGGCAGCCATGCCCGGACTCTTTGTGCCCCCCGTGG-3'
Protein context (NP_001116153.1, residues 352-372): VPANKPKFLK[Ile362Val]AEEDPPREAA